The following is an entry in ClinVar:

NM_030665.4(RAI1):c.1213A>G (p.Ser405Gly)

Gene: RAI1 (retinoic acid induced 1; plus strand). Cytogenetic location: 17p11.2.
Variant type: single nucleotide variant.
Coding change: c.1213A>G on transcript NM_030665.4 (MANE Select); coding-DNA position 1213, A replaced by G.
Protein change: p.Ser405Gly; replaces serine 405 with glycine.
Molecular consequence: missense variant.
Genome position (GRCh38, 1-based): chr17:17,794,161, A>G. VCF-style: chr17-17794161-A-G. GRCh37 (hg19) VCF-style: chr17-17697475-A-G.
Other names: short protein forms S405G.
Identifiers: ClinVar variation 589453 (VCV000589453.5), dbSNP rs1567917115, ClinGen allele CA398547128.

ClinVar aggregate classification (germline): Uncertain significance (1 of 4 stars; one submission).

Conditions:
Inborn genetic diseases. Identifiers: MedGen C0950123, MeSH D030342.

Submission:

Ambry Genetics
Classification: Uncertain significance for Inborn genetic diseases. Last evaluated: 2016-11-09. Review status: criteria provided, single submitter. Criteria: Ambry Variant Classification Scheme 2023. Collection method: clinical testing. Allele origin: germline.
Comment: The p.S405G variant (also known as c.1213A>G), located in coding exon 1 of the RAI1 gene, results from an A to G substitution at nucleotide position 1213. The serine at codon 405 is replaced by glycine, an amino acid with similar properties. This variant was not reported in population based cohorts in the following databases: Database of Single Nucleotide Polymorphisms (dbSNP), NHLBI Exome Sequencing Project (ESP), and 1000 Genomes Project. In the ESP, this variant was not observed in 6503 samples (13006 alleles) with coverage at this position. This amino acid position is not well conserved in available vertebrate species. In addition, this alteration is predicted to be tolerated by in silico analysis. Since supporting evidence is limited at this time, the clinical significance of this alteration remains unclear.